The following is an entry in ClinVar:

NM_001080449.3(DNA2):c.2171A>G (p.Lys724Arg)

Gene: DNA2 (DNA replication helicase/nuclease 2; minus strand). Cytogenetic location: 10q21.3.
Variant type: single nucleotide variant.
Coding change: c.2171A>G on transcript NM_001080449.3 (MANE Select); coding-DNA position 2171, A replaced by G.
Protein change: p.Lys724Arg; replaces lysine 724 with arginine.
Molecular consequence: missense variant. On other transcripts: non-coding transcript variant (1).
Genome position (GRCh38, 1-based): chr10:68,430,473, T>C on the plus strand (A>G on the coding strand, the complement: DNA2 is on the minus strand). VCF-style: chr10-68430473-T-C. GRCh37 (hg19) VCF-style: chr10-70190230-T-C.
Other names: short protein forms K724R.
Identifiers: ClinVar variation 3001053 (VCV003001053.3), dbSNP rs779153706, ClinGen allele CA5524887.
Genomic context (GRCh38, chr10:68,430,473, plus strand): 5'-TATTATACAATAATTGTGCTTACTTGACTATTGTAGAGTTCTTCTAGAAGAGCTAAGGAT[T>C]TAATGGACTTTGATCTGCAAATTTCTTGCTCTGTAAATTGCTGGATAGCTGGATGAACCT-3'
Protein context (NP_001073918.2, residues 714-734): EQEICRSKSI[Lys724Arg]SLALLEELYN

ClinVar aggregate classification (germline): Uncertain significance (1 of 4 stars; one submission).

Allele frequency attached by ClinVar (database versions not stated): ExAC 0.00001.
gnomAD v4.1: 13 of 1,610,094 alleles (0.00081%); highest among the groups gnomAD compares: Non-Finnish European, 0.0011%; no homozygotes.

Submission:

Labcorp Genetics (formerly Invitae), Labcorp
Classification: Uncertain significance. Last evaluated: 2024-05-14. Review status: criteria provided, single submitter. Criteria: Invitae Variant Classification Sherloc (09022015). Collection method: clinical testing. Allele origin: germline.
Comment: This sequence change replaces lysine, which is basic and polar, with arginine, which is basic and polar, at codon 724 of the DNA2 protein (p.Lys724Arg). This variant is present in population databases (rs779153706, gnomAD 0.0009%). This variant has not been reported in the literature in individuals affected with DNA2-related conditions. Advanced modeling of protein sequence and biophysical properties (such as structural, functional, and spatial information, amino acid conservation, physicochemical variation, residue mobility, and thermodynamic stability) performed at Invitae indicates that this missense variant is not expected to disrupt DNA2 protein function with a negative predictive value of 80%. In summary, the available evidence is currently insufficient to determine the role of this variant in disease. Therefore, it has been classified as a Variant of Uncertain Significance.